The following is an entry in ClinVar:

ClinVar aggregate classification (germline): Likely benign (0 of 4 stars; one submission).

Conditions:
PLXNA2-related disorder. Also called: PLXNA2-related condition.

Allele frequency attached by ClinVar (database versions not stated): gnomAD exomes 0.00002.
gnomAD v4.1: 14 of 1,613,988 alleles (0.00087%); highest among the groups gnomAD compares: East Asian, 0.0022%; no homozygotes.

Submission:

PreventionGenetics, part of Exact Sciences
Classification: Likely benign for PLXNA2-related condition. Last evaluated: 2024-01-31. Review status: no assertion criteria provided. Collection method: clinical testing. Allele origin: germline.
Comment: This variant is classified as likely benign based on ACMG/AMP sequence variant interpretation guidelines (Richards et al. 2015 PMID: 25741868, with internal and published modifications).

NM_025179.4(PLXNA2):c.2940G>A (p.Gly980=)

Gene: PLXNA2 (plexin A2; minus strand). Cytogenetic location: 1q32.2.
Variant type: single nucleotide variant.
Coding change: c.2940G>A on transcript NM_025179.4 (MANE Select); coding-DNA position 2940, G replaced by A.
Protein change: p.Gly980=; no amino-acid change (glycine 980 retained).
Molecular consequence: synonymous variant.
Genome position (GRCh38, 1-based): chr1:208,052,380, C>T on the plus strand (G>A on the coding strand, the complement: PLXNA2 is on the minus strand). VCF-style: chr1-208052380-C-T. GRCh37 (hg19) VCF-style: chr1-208225725-C-T.
Identifiers: ClinVar variation 3054723 (VCV003054723.2), dbSNP rs1346721297, ClinGen allele CA422995639.